The following is an entry in ClinVar:

NM_001130438.3(SPTAN1):c.4758+10A>T

Gene: SPTAN1 (spectrin alpha, non-erythrocytic 1; plus strand). Cytogenetic location: 9q34.11.
Variant type: single nucleotide variant.
Coding change: c.4758+10A>T on transcript NM_001130438.3 (MANE Select); 10 bases into the intron after coding-DNA position 4758, A replaced by T.
Molecular consequence: intron variant.
Genome position (GRCh38, 1-based): chr9:128,609,294, A>T. VCF-style: chr9-128609294-A-T. GRCh37 (hg19) VCF-style: chr9-131371573-A-T.
Other names: c.4758+10A>T (NM_001130438.2, NM_001375311.2, NM_001375310.1 and 3 more transcripts); c.4794+10A>T (NM_001375318.1, NM_001375312.2); c.4698+10A>T (NM_001375314.2, NM_001363765.2, NM_001195532.2).
Identifiers: ClinVar variation 1079062 (VCV001079062.12), dbSNP rs1856301701, ClinGen allele CA1129333500.

ClinVar aggregate classification (germline): Likely benign. Review status: criteria provided, single submitter (1 of 4 stars). 2 submissions from 2 submitters: Likely benign (1). 1 of the submissions does not count toward it. Last evaluated 2026-01-09.

Conditions:
SPTAN1-related disorder. Also called: SPTAN1-related condition; SPTAN1-related disorders.
Early-infantile DEE. Also called: Ohtahara syndrome; Early infantile epileptic encephalopathy with suppression bursts; Early infantile epileptic encephalopathy. Identifiers: Orphanet 1934, MedGen C0393706, MONDO:0800491.

Allele frequency attached by ClinVar (database versions not stated): gnomAD exomes below 0.00001; TOPMed below 0.00001; gnomAD 0.00001.
gnomAD v4.1: 4 of 1,614,100 alleles (0.00025%); highest among the groups gnomAD compares: Non-Finnish European, 0.00034%; no homozygotes.

Submissions (2):

Labcorp Genetics (formerly Invitae), Labcorp
Classification: Likely benign for Early-infantile DEE. Last evaluated: 2026-01-09. Review status: criteria provided, single submitter. Criteria: Invitae Variant Classification Sherloc (09022015). Collection method: clinical testing. Allele origin: germline.

PreventionGenetics, part of Exact Sciences
Classification: Likely benign for SPTAN1-related condition. Last evaluated: 2019-08-08. Review status: no assertion criteria provided. Collection method: clinical testing. Allele origin: germline. Not counted in ClinVar's aggregate classification.
Comment: This variant is classified as likely benign based on ACMG/AMP sequence variant interpretation guidelines (Richards et al. 2015 PMID: 25741868, with internal and published modifications).